The following is an entry in ClinVar:

NM_001134363.3(RBM20):c.456T>A (p.Val152=)

Gene: RBM20 (RNA binding motif protein 20; plus strand). Cytogenetic location: 10q25.2.
Variant type: single nucleotide variant.
Coding change: c.456T>A on transcript NM_001134363.3 (MANE Select); coding-DNA position 456, T replaced by A.
Protein change: p.Val152=; no amino-acid change (valine 152 retained).
Molecular consequence: synonymous variant.
Genome position (GRCh38, 1-based): chr10:110,781,065, T>A. VCF-style: chr10-110781065-T-A. GRCh37 (hg19) VCF-style: chr10-112540823-T-A.
Identifiers: ClinVar variation 4534155 (VCV004534155.6).

ClinVar aggregate classification (germline): Likely benign (1 of 4 stars; one submission).

Submission:

CeGaT Center for Human Genetics Tuebingen
Classification: Likely benign. Last evaluated: 2026-08-01. Review status: criteria provided, single submitter. Criteria: CeGaT Center For Human Genetics Tuebingen Variant Classification Criteria Version 2. Collection method: clinical testing. Allele origin: germline. Affected: yes. Observed: 4 variant alleles.
Comment: RBM20: PM2:Supporting, BP4, BP7